The following is an entry in ClinVar:

ClinVar aggregate classification (germline): Uncertain significance (1 of 4 stars; one submission).

Submission:

Labcorp Genetics (formerly Invitae), Labcorp
Classification: Uncertain significance. Last evaluated: 2022-06-23. Review status: criteria provided, single submitter. Criteria: Invitae Variant Classification Sherloc (09022015). Collection method: clinical testing. Allele origin: germline.
Comment: In summary, the available evidence is currently insufficient to determine the role of this variant in disease. Therefore, it has been classified as a Variant of Uncertain Significance. Algorithms developed to predict the effect of missense changes on protein structure and function are either unavailable or do not agree on the potential impact of this missense change (SIFT: "Deleterious"; PolyPhen-2: "Possibly Damaging"; Align-GVGD: "Class C0"). ClinVar contains an entry for this variant (Variation ID: 1046575). This variant has not been reported in the literature in individuals affected with TRPM1-related conditions. This variant is present in population databases (no rsID available, gnomAD 0.007%). This sequence change replaces isoleucine, which is neutral and non-polar, with phenylalanine, which is neutral and non-polar, at codon 533 of the TRPM1 protein (p.Ile533Phe).

NM_001252024.2(TRPM1):c.1663A>T (p.Ile555Phe)

Gene: TRPM1 (transient receptor potential cation channel subfamily M member 1; minus strand). Cytogenetic location: 15q13.3.
Variant type: single nucleotide variant.
Coding change: c.1663A>T on transcript NM_001252024.2 (MANE Select); coding-DNA position 1663, A replaced by T.
Protein change: p.Ile555Phe; replaces isoleucine 555 with phenylalanine.
Molecular consequence: missense variant.
Genome position (GRCh38, 1-based): chr15:31,047,212, T>A on the plus strand (A>T on the coding strand, the complement: TRPM1 is on the minus strand). VCF-style: chr15-31047212-T-A. GRCh37 (hg19) VCF-style: chr15-31339415-T-A.
Other names: c.1714A>T, p.Ile572Phe (NM_001252020.2); c.1597A>T, p.Ile533Phe (NM_002420.6); short protein forms I555F, I572F, I533F.
Identifiers: ClinVar variation 1046575 (VCV001046575.10), dbSNP rs1356638130, ClinGen allele CA391515452.